The following is an entry in ClinVar:

NM_001244008.2(KIF1A):c.4255A>G (p.Ser1419Gly)

Gene: KIF1A (kinesin family member 1A; minus strand). Cytogenetic location: 2q37.3.
Variant type: single nucleotide variant.
Coding change: c.4255A>G on transcript NM_001244008.2 (MANE Select); coding-DNA position 4255, A replaced by G.
Protein change: p.Ser1419Gly; replaces serine 1419 with glycine.
Molecular consequence: missense variant.
Genome position (GRCh38, 1-based): chr2:240,725,272, T>C on the plus strand (A>G on the coding strand, the complement: KIF1A is on the minus strand). VCF-style: chr2-240725272-T-C. GRCh37 (hg19) VCF-style: chr2-241664689-T-C.
Other names: c.3952A>G, p.Ser1318Gly (NM_004321.8, NM_001379641.1, NM_001379650.1 and 2 more transcripts); c.3979A>G, p.Ser1327Gly (NM_001320705.2, NM_001379649.1); c.4006A>G, p.Ser1336Gly (NM_001330289.2); c.4054A>G, p.Ser1352Gly (NM_001330290.2, NM_001379648.1); c.4330A>G, p.Ser1444Gly (NM_001379631.1); c.4231A>G, p.Ser1411Gly (NM_001379632.1); c.4228A>G, p.Ser1410Gly (NM_001379633.1, NM_001379645.1); c.4081A>G, p.Ser1361Gly (NM_001379634.1); and 7 more; short protein forms S1352G, S1327G, S1335G, S1343G, S1360G, S1361G, S1356G, S1318G.
Identifiers: ClinVar variation 1030766 (VCV001030766.6), dbSNP rs1388325896, ClinGen allele CA351306669.

ClinVar aggregate classification (germline): Uncertain significance. Review status: criteria provided, multiple submitters, no conflicts (2 of 4 stars). 2 submissions from 2 submitters: Uncertain significance (2). Last evaluated 2022-08-05.

Conditions:
Intellectual disability, autosomal dominant 9 (NESCAVS). Also called: NESCAV SYNDROME; KIF1A-Related Neurodevelopmental Disorder. Identifiers: Orphanet 662367, MedGen C5393830, MONDO:0013656, OMIM 614255.

Submissions (2):

GeneDx
Classification: Uncertain significance. Last evaluated: 2022-08-05. Review status: criteria provided, single submitter. Criteria: GeneDx Variant Classification Process June 2021. Collection method: clinical testing. Allele origin: germline. Affected: yes.
Comment: Not observed at significant frequency in large population cohorts (gnomAD); Has not been previously published as pathogenic or benign to our knowledge; In silico analysis suggests this variant may impact gene splicing. In the absence of RNA/functional studies, the actual effect of this sequence change is unknown.; In silico analysis supports that this missense variant does not alter protein structure/function

Baylor Genetics
Classification: Uncertain significance for Intellectual disability, autosomal dominant 9. Last evaluated: 2019-04-11. Review status: criteria provided, single submitter. Criteria: ACMG Guidelines, 2015. Collection method: clinical testing. Allele origin: maternal. Affected: yes.
Comment: This variant was determined to be of uncertain significance according to ACMG Guidelines, 2015 [PMID:25741868].